The following is an entry in ClinVar:

NM_001199397.3(NEK1):c.1137T>A (p.Asp379Glu)

Gene: NEK1 (NIMA related kinase 1; minus strand). Cytogenetic location: 4q33.
Variant type: single nucleotide variant.
Coding change: c.1137T>A on transcript NM_001199397.3 (MANE Select); coding-DNA position 1137, T replaced by A.
Protein change: p.Asp379Glu; replaces aspartic acid 379 with glutamic acid.
Molecular consequence: missense variant. On other transcripts: non-coding transcript variant (2).
Genome position (GRCh38, 1-based): chr4:169,561,835, A>T on the plus strand (T>A on the coding strand, the complement: NEK1 is on the minus strand). VCF-style: chr4-169561835-A-T. GRCh37 (hg19) VCF-style: chr4-170482986-A-T.
Other names: c.1137T>A, p.Asp379Glu (NM_001199398.3, NM_001199399.3, NM_001199400.3 and 7 more transcripts); short protein forms D379E.
Identifiers: ClinVar variation 266047 (VCV000266047.59), dbSNP rs372585344, ClinGen allele CA3137845.

ClinVar aggregate classification (germline): Conflicting classifications of pathogenicity. Review status: criteria provided, conflicting classifications (1 of 4 stars). 8 submissions from 8 submitters: Uncertain significance (5); Likely benign (2). 1 of the submissions does not count toward it. Last evaluated 2025-08-15.

Conditions:
Amyotrophic lateral sclerosis, susceptibility to, 24. Identifiers: MedGen C4693523, MONDO:0054750, OMIM 617892.
NEK1-related disorder. Also called: NEK1-related condition.
Motor neuron disease. Also called: Degenerative motor system disease; Motor neuron disorder. Identifiers: Orphanet 98503, MedGen C0085084, MONDO:0020128.
Short-rib thoracic dysplasia 6 with or without polydactyly (SRTD6). Also called: SHORT-RIB THORACIC DYSPLASIA 6 WITH POLYDACTYLY; SHORT-RIB THORACIC DYSPLASIA 6 WITHOUT POLYDACTYLY; POLYDACTYLY WITH NEONATAL CHONDRODYSTROPHY, TYPE II; SHORT RIB-POLYDACTYLY SYNDROME, TYPE IIA; Majewski Syndrome. Identifiers: MedGen C0024507, MONDO:0009894, OMIM 263520.

Allele frequency attached by ClinVar (database versions not stated): TOPMed 0.00013; gnomAD exomes 0.00014 and 0.00039; ExAC 0.00015; ESP Exome Variant Server 0.00017; gnomAD 0.00019 and 0.00021; 1000 Genomes Project 0.00040; 1000 Genomes Project 30x 0.00047.

Submissions (8):

Labcorp Genetics (formerly Invitae), Labcorp
Classification: Uncertain significance for Short-rib thoracic dysplasia 6 with or without polydactyly. Last evaluated: 2025-08-15. Review status: criteria provided, single submitter. Criteria: Invitae Variant Classification Sherloc (09022015). Collection method: clinical testing. Allele origin: germline.
Comment: This sequence change replaces aspartic acid, which is acidic and polar, with glutamic acid, which is acidic and polar, at codon 379 of the NEK1 protein (p.Asp379Glu). This variant is present in population databases (rs372585344, gnomAD 0.03%). This variant has not been reported in the literature in individuals affected with NEK1-related conditions. ClinVar contains an entry for this variant (Variation ID: 266047). Invitae Evidence Modeling of protein sequence and biophysical properties (such as structural, functional, and spatial information, amino acid conservation, physicochemical variation, residue mobility, and thermodynamic stability) indicates that this missense variant is not expected to disrupt NEK1 protein function with a negative predictive value of 95%. In summary, the available evidence is currently insufficient to determine the role of this variant in disease. Therefore, it has been classified as a Variant of Uncertain Significance.

Laboratory of Genetics, Children's Clinical University Hospital Latvia
Classification: Likely benign. Last evaluated: 2025-02-16. Review status: criteria provided, single submitter. Criteria: ACMG Guidelines, 2015. Collection method: clinical testing. Allele origin: germline. Affected: yes.

GeneDx
Classification: Uncertain significance. Last evaluated: 2019-05-20. Review status: criteria provided, single submitter. Criteria: GeneDx Variant Classification Process June 2021. Collection method: clinical testing. Allele origin: germline. Affected: yes.
Comment: In silico analysis, which includes protein predictors and evolutionary conservation, supports that this variant does not alter protein structure/function; This variant is associated with the following publications: (PMID: 28089114)

ARUP Laboratories, Molecular Genetics and Genomics, ARUP Laboratories
Classification: Uncertain significance for Amyotrophic lateral sclerosis, susceptibility to, 24. Last evaluated: 2018-10-15. Review status: criteria provided, single submitter. Criteria: ARUP Molecular Germline Variant Investigation Process. Collection method: clinical testing. Allele origin: germline.
Comment: The NEK1 c.1137T>A; p.Asp379Glu variant (rs372585344), to our knowledge, is not described in the medical literature but contains an entry in ClinVar (Variation ID: 266047). It is observed in the Non-Finnish European population at an overall frequency of 0.027% (34/125486 alleles) in the Genome Aggregation Database. The aspartic acid 379 is highly conserved (Alamut v.2.11), however several species have glutamic acid at this position, suggesting that this amino acid change may be evolutionary tolerated. Further, computational algorithms (PolyPhen-2, SIFT) predict that this variant is tolerated. However, due to the lack of clinical and functional data regarding this variant, its clinical significance cannot be determined with certainty.

CeGaT Center for Human Genetics Tuebingen
Classification: Uncertain significance. Last evaluated: 2018-03-01. Review status: criteria provided, single submitter. Criteria: CeGaT Center For Human Genetics Tuebingen Variant Classification Criteria Version 2. Collection method: clinical testing. Allele origin: germline. Affected: yes. Observed: 1 variant allele.

Eurofins Ntd Llc (ga)
Classification: Uncertain significance. Last evaluated: 2016-09-01. Review status: criteria provided, single submitter. Criteria: EGL Classification Definitions 2015. Collection method: clinical testing. Allele origin: germline. Observed: 1 variant allele, 1 heterozygote.

Centre for Genomic and Experimental Medicine, University of Edinburgh
Classification: Likely benign for Motor neuron disease. Last evaluated: 2016-08-31. Review status: criteria provided, single submitter. Criteria: Submitter's publication. Collection method: case-control. Allele origin: unknown. Affected: no. Observed: 1 heterozygote.

PreventionGenetics, part of Exact Sciences
Classification: Uncertain significance for NEK1-related condition. Last evaluated: 2024-05-20. Review status: no assertion criteria provided. Collection method: clinical testing. Allele origin: germline. Not counted in ClinVar's aggregate classification.
Comment: The NEK1 c.1137T>A variant is predicted to result in the amino acid substitution p.Asp379Glu. This variant was reported in a control individual in a study of patients with motor neuron disease; to our knowledge, it has not been reported in any affected individuals (Supplementary Table 4 in Black et al. 2016. PubMed ID: 28089114). This variant is reported in 0.026% of alleles in individuals of European (Non-Finnish) descent in gnomAD. At this time, the clinical significance of this variant is uncertain due to the absence of conclusive functional and genetic evidence.

Literature cited by the submitters: PubMed 28089114 (cited by Centre for Genomic and Experimental Medicine, University of Edinburgh).